The following is an entry in ClinVar:

ClinVar aggregate classification (germline): Uncertain significance. Review status: criteria provided, multiple submitters, no conflicts (2 of 4 stars). 2 submissions from 2 submitters: Uncertain significance (2). Last evaluated 2024-03-24.

Submissions (2):

Ambry Genetics
Classification: Uncertain significance. Last evaluated: 2024-03-24. Review status: criteria provided, single submitter. Criteria: Ambry Variant Classification Scheme 2023. Collection method: clinical testing. Allele origin: germline.
Comment: The p.A15D variant (also known as c.44C>A), located in coding exon 1 of the A2ML1 gene, results from a C to A substitution at nucleotide position 44. The alanine at codon 15 is replaced by aspartic acid, an amino acid with dissimilar properties. This amino acid position is conserved. In addition, this alteration is predicted to be tolerated by in silico analysis. Based on the available evidence, the clinical significance of this alteration remains unclear.

Women's Health and Genetics/Laboratory Corporation of America, LabCorp
Classification: Uncertain significance. Last evaluated: 2020-03-23. Review status: criteria provided, single submitter. Criteria: LabCorp Variant Classification Summary - May 2015. Collection method: clinical testing. Allele origin: germline.
Comment: Variant summary: A2ML1 c.44C>A (p.Ala15Asp) results in a non-conservative amino acid change in the encoded protein sequence. Three of five in-silico tools predict a damaging effect of the variant on protein function. The variant was absent in 249556 control chromosomes (gnomAD). The available data on variant occurrences in the general population are insufficient to allow any conclusion about variant significance. To our knowledge, no occurrence of c.44C>A in individuals affected with Noonan Syndrome and no experimental evidence demonstrating its impact on protein function have been reported. No clinical diagnostic laboratories have submitted clinical-significance assessments for this variant to ClinVar after 2014. Based on the evidence outlined above, the variant was classified as uncertain significance.

NM_144670.6(A2ML1):c.44C>A (p.Ala15Asp)

Genes: A2ML1 (alpha-2-macroglobulin like 1; plus strand), A2ML1-AS1 (A2ML1 antisense RNA 1; minus strand). Cytogenetic location: 12p13.31.
Variant type: single nucleotide variant.
Coding change: c.44C>A on transcript NM_144670.6 (MANE Select); coding-DNA position 44, C replaced by A.
Protein change: p.Ala15Asp; replaces alanine 15 with aspartic acid.
Molecular consequence: missense variant.
Genome position (GRCh38, 1-based): chr12:8,822,695, C>A. VCF-style: chr12-8822695-C-A. GRCh37 (hg19) VCF-style: chr12-8975291-C-A.
Other names: c.44C>A (NM_144670.3); short protein forms A15D.
Identifiers: ClinVar variation 918129 (VCV000918129.2), dbSNP rs1942780601, ClinGen allele CA383816531.